The following is an entry in ClinVar:

ClinVar aggregate classification (germline): Uncertain significance (1 of 4 stars; one submission).

Allele frequency attached by ClinVar (database versions not stated): gnomAD exomes below 0.00001.
gnomAD v4.1: 2 of 1,614,082 alleles (0.00012%); highest among the groups gnomAD compares: East Asian, 0.0022%; no homozygotes.

Submission:

Ambry Genetics
Classification: Uncertain significance. Last evaluated: 2021-07-20. Review status: criteria provided, single submitter. Criteria: Ambry Variant Classification Scheme 2023. Collection method: clinical testing. Allele origin: germline.
Comment: The p.A1341T variant (also known as c.4021G>A), located in coding exon 17 of the NPAT gene, results from a G to A substitution at nucleotide position 4021. The alanine at codon 1341 is replaced by threonine, an amino acid with similar properties. This amino acid position is conserved. In addition, the in silico prediction for this alteration is inconclusive. Since supporting evidence is limited at this time, the clinical significance of this alteration remains unclear.

NM_002519.3(NPAT):c.4021G>A (p.Ala1341Thr)

Gene: NPAT (nuclear protein, coactivator of histone transcription; minus strand). Cytogenetic location: 11q22.3.
Variant type: single nucleotide variant.
Coding change: c.4021G>A on transcript NM_002519.3 (MANE Select); coding-DNA position 4021, G replaced by A.
Protein change: p.Ala1341Thr; replaces alanine 1341 with threonine.
Molecular consequence: missense variant.
Genome position (GRCh38, 1-based): chr11:108,161,065, C>T on the plus strand (G>A on the coding strand, the complement: NPAT is on the minus strand). VCF-style: chr11-108161065-C-T. GRCh37 (hg19) VCF-style: chr11-108031792-C-T.
Other names: c.4042G>A, p.Ala1348Thr (NM_001321307.1); short protein forms A1348T, A1341T.
Identifiers: ClinVar variation 1737120 (VCV001737120.2), dbSNP rs1261234845, ClinGen allele CA382509535.